The following is an entry in ClinVar:

ClinVar aggregate classification (germline): Uncertain significance (1 of 4 stars; one submission).

Submission:

GeneDx
Classification: Uncertain significance. Last evaluated: 2025-10-16. Review status: criteria provided, single submitter. Criteria: GeneDx Variant Classification Process June 2021. Collection method: clinical testing. Allele origin: germline. Affected: yes.
Comment: Not observed at significant frequency in large population cohorts (gnomAD); In silico analysis suggests that this missense variant does not alter protein structure/function; This variant is associated with the following publications: (PMID: 39851566)

NM_130837.3(OPA1):c.14G>A (p.Arg5His)

Gene: OPA1 (OPA1 mitochondrial dynamin like GTPase; plus strand). Cytogenetic location: 3q29.
Variant type: single nucleotide variant.
Coding change: c.14G>A on transcript NM_130837.3 (MANE Select); coding-DNA position 14, G replaced by A.
Protein change: p.Arg5His; replaces arginine 5 with histidine.
Molecular consequence: missense variant. On other transcripts: 5 prime UTR variant (2).
Genome position (GRCh38, 1-based): chr3:193,593,391, G>A. VCF-style: chr3-193593391-G-A. GRCh37 (hg19) VCF-style: chr3-193311180-G-A.
Other names: c.14G>A, p.Arg5His (NM_015560.3, NM_130831.3, NM_130832.3 and 4 more transcripts); c.-417G>A (NM_001354663.2, NM_001354664.2); short protein forms R5H.
Identifiers: ClinVar variation 3338716 (VCV003338716.2).